The following is an entry in ClinVar:

NM_000261.2(MYOC):c.303A>G (p.Gln101=)

Gene: MYOC (myocilin; minus strand). Cytogenetic location: 1q24.3.
Variant type: single nucleotide variant.
Coding change: c.303A>G on transcript NM_000261.2 (MANE Select); coding-DNA position 303, A replaced by G.
Protein change: p.Gln101=; no amino-acid change (glutamine 101 retained).
Molecular consequence: synonymous variant.
Genome position (GRCh38, 1-based): chr1:171,652,309, T>C on the plus strand (A>G on the coding strand, the complement: MYOC is on the minus strand). VCF-style: chr1-171652309-T-C. GRCh37 (hg19) VCF-style: chr1-171621449-T-C.
Other names: NM_000261.2:c.303A>G.
Identifiers: ClinVar variation 1723167 (VCV001723167.2), dbSNP rs61730978, ClinGen allele CA1244299.

ClinVar aggregate classification (germline): Likely benign (3 of 4 stars; one submission).

Conditions:
Open-angle glaucoma. Identifiers: MedGen C0017612, MONDO:0005338, HP:0012108.

Allele frequency attached by ClinVar (database versions not stated): gnomAD exomes 0.00001; ESP Exome Variant Server 0.00031; ExAC 0.00004; TOPMed 0.00007; gnomAD 0.00011.
gnomAD v4.1: 35 of 1,610,962 alleles (0.0022%); highest among the groups gnomAD compares: African/African-American, 0.043%; no homozygotes.

Submission:

ClinGen Glaucoma Variant Curation Expert Panel
Classification: Likely benign for Open-angle glaucoma. Last evaluated: 2025-10-08. Review status: reviewed by expert panel. Criteria: ClinGen Glaucoma ACMG Specifications V2.0.0 Approved. Collection method: curation. Allele origin: germline. Inheritance: Autosomal dominant inheritance.
Comment: The c.303A>G variant in MYOC is a synonymous variant (p.Gln101=). The highest minor allele frequency of this variant was in the African/African American genetic ancestry group of gnomAD (v4.1.0) = 0.0004283 (32 alleles out of 74,710), which did not meet the PM2_Supporting allele frequency threshold (≤ 0.0001) or the BS1 allele frequency threshold (≥ 0.001). The SpliceAI score = 0, which met the ≤ 0.1 threshold for BP4, suggesting that the variant does not impact MYOC function. This synonymous variant meets BP4, so BP7 is met. There was no functional evidence predicting a damaging or benign impact of this variant on MYOC function. Although a proband with primary open angle glaucoma had been reported carrying this variant, PM2_Supporting was not met, therefore PS4 did not apply. In summary, this variant met the criteria to receive a score of -2 and to be classified as likely benign (likely benign classification range -2 to -6, adapted from PMID: 32720330) for primary open angle glaucoma based on the ACMG/AMP criteria met, as specified by the ClinGen Glaucoma VCEP (v2.0.0, 5 Dec 2024): BP4, BP7.